The following is an entry in ClinVar:

NM_000038.6(APC):c.3872A>C (p.Gln1291Pro)

Gene: APC (APC regulator of Wnt signaling pathway; plus strand). Cytogenetic location: 5q22.2.
Variant type: single nucleotide variant.
Coding change: c.3872A>C on transcript NM_000038.6 (MANE Select); coding-DNA position 3872, A replaced by C.
Protein change: p.Gln1291Pro; replaces glutamine 1291 with proline.
Molecular consequence: missense variant. On other transcripts: non-coding transcript variant (2).
Genome position (GRCh38, 1-based): chr5:112,839,466, A>C. VCF-style: chr5-112839466-A-C. GRCh37 (hg19) VCF-style: chr5-112175163-A-C.
Other names: c.3872A>C, p.Gln1291Pro (NM_001127510.3, NM_001407450.1, NM_001354895.2); c.3818A>C, p.Gln1273Pro (NM_001127511.3); c.3392A>C, p.Gln1131Pro (NM_001354905.2); c.3023A>C, p.Gln1008Pro (NM_001354906.2, NM_001407470.1); c.3956A>C, p.Gln1319Pro (NM_001407446.1); c.3926A>C, p.Gln1309Pro (NM_001407447.1, NM_001407448.1, NM_001407449.1 and 1 more transcripts); c.3851A>C, p.Gln1284Pro (NM_001407451.1); c.3842A>C, p.Gln1281Pro (NM_001407452.1); and 11 more; short protein forms Q1263P, Q1266P, Q1281P, Q907P, Q1131P, Q1165P, Q1190P, Q1284P.
Identifiers: ClinVar variation 3930079 (VCV003930079.1).
Genomic context (GRCh38, chr5:112,839,466, plus strand): 5'-TTTCAAGATGTAGTTCATTATCATCTTTGTCATCAGCTGAAGATGAAATAGGATGTAATC[A>C]GACGACACAGGAAGCAGATTCTGCTAATACCCTGCAAATAGCAGAAATAAAAGAAAAGAT-3'
Protein context (NP_000029.2, residues 1281-1301): SSAEDEIGCN[Gln1291Pro]TTQEADSANT

ClinVar aggregate classification (germline): Uncertain significance (1 of 4 stars; one submission).

Conditions:
Hereditary cancer-predisposing syndrome. Also called: Tumor predisposition; Hereditary neoplastic syndrome; Hereditary Cancer Syndrome; Neoplastic Syndromes, Hereditary. Identifiers: Orphanet 140162, MedGen C0027672, MeSH D009386, MONDO:0015356.

Submission:

Ambry Genetics
Classification: Uncertain significance for Hereditary cancer-predisposing syndrome. Last evaluated: 2025-06-14. Review status: criteria provided, single submitter. Criteria: Ambry Variant Classification Scheme 2023. Collection method: clinical testing. Allele origin: germline.
Comment: The p.Q1291P variant (also known as c.3872A>C), located in coding exon 15 of the APC gene, results from an A to C substitution at nucleotide position 3872. The glutamine at codon 1291 is replaced by proline, an amino acid with similar properties. This amino acid position is conserved. In addition, in silico predictors for this gene do not accurately predict pathogenicity. Based on the available evidence, the clinical significance of this variant remains unclear.